The following is an entry in ClinVar:

ClinVar aggregate classification (germline): Likely pathogenic (1 of 4 stars; one submission).

Conditions:
ELP1-related disorder. Also called: ELP1-related condition.

Submission:

PreventionGenetics, part of Exact Sciences
Classification: Likely pathogenic for ELP1-related condition. Last evaluated: 2025-11-03. Review status: criteria provided, single submitter. Criteria: ACMG Guidelines, 2015. Collection method: clinical testing. Allele origin: germline.
Comment: The ELP1 c.680_681delAG variant is predicted to result in a frameshift and premature protein termination (p.Glu227Valfs*8). To our knowledge, this variant has not been reported in the literature or in a large population database (gnomAD), indicating this variant is rare. Frameshift variants in ELP1 are expected to be pathogenic for medulloblastoma (Waszak et al. 2020. PubMed ID: 32296180). This variant is interpreted as likely pathogenic for risk of medulloblastoma. To our knowledge, frameshift and nonsense variants have not been clearly associated with autosomal recessive dysautonomia and the clinical significance of this variant is uncertain for autosomal recessive disease (Rubin and Anderson. 2017. PubMed ID: 29290691).

NM_003640.5(ELP1):c.680_681del (p.Glu227fs)

Gene: ELP1 (elongator acetyltransferase complex subunit 1; minus strand). Cytogenetic location: 9q31.3.
Variant type: Microsatellite.
Coding change: c.680_681del on transcript NM_003640.5 (MANE Select); coding-DNA positions 680 to 681, 2 bases deleted (AG; older notation c.680_681delAG).
Protein change: p.Glu227fs; shifts the reading frame from glutamic acid 227.
Molecular consequence: frameshift variant. On other transcripts: intron variant (1).
Genome position (GRCh38, 1-based): chr9:108,918,870-108,918,871, CT deleted on the plus strand (AG on the coding strand, the reverse complement: ELP1 is on the minus strand); deleting any 2 consecutive bases within chr9:108,918,870-108,918,874 gives the same sequence; the c. name uses the placement nearest the transcript's 3' end. VCF-style (leftmost placement, unchanged base first): chr9-108918869-ACT-A. GRCh37 (hg19) VCF-style: chr9-111681149-ACT-A.
Other names: c.338_339del, p.Glu113fs (NM_001318360.2); c.-307-1201_-307-1200del (NM_001330749.2); short protein forms E227fs, E113fs.
Identifiers: ClinVar variation 4992264 (VCV004992264.1).